The following is an entry in ClinVar:

ClinVar aggregate classification (germline): Pathogenic (1 of 4 stars; one submission).

Submission:

Labcorp Genetics (formerly Invitae), Labcorp
Classification: Pathogenic. Last evaluated: 2023-03-20. Review status: criteria provided, single submitter. Criteria: Invitae Variant Classification Sherloc (09022015). Collection method: clinical testing. Allele origin: germline.
Comment: This sequence change creates a premature translational stop signal (p.Ala200Glnfs*2) in the FH gene. It is expected to result in an absent or disrupted protein product. Loss-of-function variants in FH are known to be pathogenic (PMID: 11865300, 21398687). This variant is not present in population databases (gnomAD no frequency). This variant has not been reported in the literature in individuals affected with FH-related conditions. For these reasons, this variant has been classified as Pathogenic.

Literature cited by the submitters: PubMed 11865300; PubMed 21398687.

NM_000143.4(FH):c.597del (p.Ala200fs)

Gene: FH (fumarate hydratase; minus strand). Cytogenetic location: 1q43.
Variant type: Deletion.
Coding change: c.597del on transcript NM_000143.4 (MANE Select); coding-DNA position 597, one base deleted (T; older notation c.597delT).
Protein change: p.Ala200fs; shifts the reading frame from alanine 200.
Molecular consequence: frameshift variant.
Genome position (GRCh38, 1-based): chr1:241,508,744, A deleted on the plus strand (T on the coding strand, the reverse complement: FH is on the minus strand). VCF-style (leftmost placement, unchanged base first): chr1-241508743-CA-C. GRCh37 (hg19) VCF-style: chr1-241672043-CA-C.
Other names: short protein forms A200fs.
Identifiers: ClinVar variation 2847689 (VCV002847689.3), dbSNP rs2527327485, ClinGen allele CA2739274047.